The following is an entry in ClinVar:

ClinVar aggregate classification (germline): Uncertain significance (1 of 4 stars; one submission).

Allele frequency attached by ClinVar (database versions not stated): gnomAD exomes below 0.00001; ExAC 0.00001; ESP Exome Variant Server 0.00008.
gnomAD v4.1: 2 of 1,614,068 alleles (0.00012%); highest among the groups gnomAD compares: African/African-American, 0.0027%; no homozygotes.

Submission:

Labcorp Genetics (formerly Invitae), Labcorp
Classification: Uncertain significance. Last evaluated: 2022-02-28. Review status: criteria provided, single submitter. Criteria: Invitae Variant Classification Sherloc (09022015). Collection method: clinical testing. Allele origin: germline.
Comment: This sequence change replaces glutamic acid, which is acidic and polar, with aspartic acid, which is acidic and polar, at codon 1089 of the LEPR protein (p.Glu1089Asp). In summary, the available evidence is currently insufficient to determine the role of this variant in disease. Therefore, it has been classified as a Variant of Uncertain Significance. Algorithms developed to predict the effect of missense changes on protein structure and function are either unavailable or do not agree on the potential impact of this missense change (SIFT: "Tolerated"; PolyPhen-2: "Possibly Damaging"; Align-GVGD: "Class C0"). This variant has not been reported in the literature in individuals affected with LEPR-related conditions. This variant is present in population databases (rs368284717, gnomAD 0.007%).

NM_002303.6(LEPR):c.3267G>C (p.Glu1089Asp)

Gene: LEPR (leptin receptor; plus strand). Cytogenetic location: 1p31.3.
Variant type: single nucleotide variant.
Coding change: c.3267G>C on transcript NM_002303.6 (MANE Select); coding-DNA position 3267, G replaced by C.
Protein change: p.Glu1089Asp; replaces glutamic acid 1089 with aspartic acid.
Molecular consequence: missense variant.
Genome position (GRCh38, 1-based): chr1:65,636,784, G>C. VCF-style: chr1-65636784-G-C. GRCh37 (hg19) VCF-style: chr1-66102467-G-C.
Other names: short protein forms E1089D.
Identifiers: ClinVar variation 1973285 (VCV001973285.5), dbSNP rs368284717, ClinGen allele CA895243.